The following is an entry in ClinVar:

NM_182961.4(SYNE1):c.25529C>T (p.Thr8510Ile)

Gene: SYNE1 (spectrin repeat containing nuclear envelope protein 1; minus strand). Cytogenetic location: 6q25.2.
Variant type: single nucleotide variant.
Coding change: c.25529C>T on transcript NM_182961.4 (MANE Select); coding-DNA position 25529, C replaced by T.
Protein change: p.Thr8510Ile; replaces threonine 8510 with isoleucine.
Molecular consequence: missense variant.
Genome position (GRCh38, 1-based): chr6:152,136,748, G>A on the plus strand (C>T on the coding strand, the complement: SYNE1 is on the minus strand). VCF-style: chr6-152136748-G-A. GRCh37 (hg19) VCF-style: chr6-152457883-G-A.
Other names: c.2135C>T, p.Thr712Ile (NM_001347701.2); c.2063C>T, p.Thr688Ile (NM_001347702.2); c.25385C>T, p.Thr8462Ile (NM_033071.5); c.25385C>T (NM_033071.3); short protein forms T8510I, T8462I, T688I, T712I.
Identifiers: ClinVar variation 1431171 (VCV001431171.7), dbSNP rs1404247560, ClinGen allele CA366079049.
Genomic context (GRCh38, chr6:152,136,748, plus strand): 5'-CGCCCATTCATCTGCGACAAGCGATCCTGCAGGTCCCGGCTCTCCTTGCTGTCAGCCTGG[G>A]TGAACTCAGGGCTGCAGAGATTGATGGAGAGGATGATGGCTTTGCGGTGGTCCACAGCTT-3'
Protein context (NP_892006.3, residues 8500-8520): LSINLCSPEF[Thr8510Ile]QADSKESRDL

ClinVar aggregate classification (germline): Uncertain significance. Review status: criteria provided, multiple submitters, no conflicts (2 of 4 stars). 2 submissions from 2 submitters: Uncertain significance (2). Last evaluated 2025-04-30.

Conditions:
Emery-Dreifuss muscular dystrophy 4, autosomal dominant (EDMD4). Also called: EMERY-DREIFUSS MUSCULAR DYSTROPHY 4 WITH VARIABLE FEATURES. Identifiers: Orphanet 261, MedGen C2751807, MONDO:0013071, OMIM 612998.
Autosomal recessive ataxia, Beauce type. Also called: Spinocerebellar ataxia, autosomal recessive 8; ATAXIA, RECESSIVE, OF BEAUCE; SYNE1 Deficiency; SYNE1-Related Autosomal Recessive Cerebellar Ataxia. Identifiers: Orphanet 88644, MedGen C1853116, MONDO:0012549, OMIM 610743.

Allele frequency attached by ClinVar (database versions not stated): gnomAD exomes below 0.00001.
gnomAD v4.1: 4 of 1,614,238 alleles (0.00025%); highest among the groups gnomAD compares: East Asian, 0.0022%; no homozygotes.

Submissions (2):

Labcorp Genetics (formerly Invitae), Labcorp
Classification: Uncertain significance for Emery-Dreifuss muscular dystrophy 4, autosomal dominant; Autosomal recessive ataxia, Beauce type. Last evaluated: 2025-04-30. Review status: criteria provided, single submitter. Criteria: Invitae Variant Classification Sherloc (09022015). Collection method: clinical testing. Allele origin: germline.
Comment: This sequence change replaces threonine, which is neutral and polar, with isoleucine, which is neutral and non-polar, at codon 8462 of the SYNE1 protein (p.Thr8462Ile). This variant is present in population databases (no rsID available, gnomAD 0.006%). This variant has not been reported in the literature in individuals affected with SYNE1-related conditions. ClinVar contains an entry for this variant (Variation ID: 1431171). An algorithm developed to predict the effect of missense changes on protein structure and function (PolyPhen-2) suggests that this variant is likely to be tolerated. In summary, the available evidence is currently insufficient to determine the role of this variant in disease. Therefore, it has been classified as a Variant of Uncertain Significance.

GeneDx
Classification: Uncertain significance. Last evaluated: 2024-06-21. Review status: criteria provided, single submitter. Criteria: GeneDx Variant Classification Process June 2021. Collection method: clinical testing. Allele origin: germline. Affected: yes.
Comment: Not observed at significant frequency in large population cohorts (gnomAD); In silico analysis indicates that this missense variant does not alter protein structure/function; Has not been previously published as pathogenic or benign to our knowledge